The following is an entry in ClinVar:

NM_030962.4(SBF2):c.2350A>G (p.Ile784Val)

Genes: SBF2 (SET binding factor 2; minus strand), LOC101928008 (uncharacterized LOC101928008; plus strand). Cytogenetic location: 11p15.4.
Variant type: single nucleotide variant.
Coding change: c.2350A>G on transcript NM_030962.4 (MANE Select); coding-DNA position 2350, A replaced by G.
Protein change: p.Ile784Val; replaces isoleucine 784 with valine.
Molecular consequence: missense variant.
Genome position (GRCh38, 1-based): chr11:9,856,471, T>C on the plus strand (A>G on the coding strand, the complement: SBF2 is on the minus strand). VCF-style: chr11-9856471-T-C. GRCh37 (hg19) VCF-style: chr11-9878018-T-C.
Other names: c.2350A>G, p.Ile784Val (NM_001386339.1); c.2221A>G, p.Ile741Val (NM_001386342.1); short protein forms I784V, I741V.
Identifiers: ClinVar variation 426519 (VCV000426519.12), dbSNP rs758912920, ClinGen allele CA5881585.

ClinVar aggregate classification (germline): Uncertain significance. Review status: criteria provided, multiple submitters, no conflicts (2 of 4 stars). 3 submissions from 3 submitters: Uncertain significance (3). Last evaluated 2021-08-31.

Conditions:
Charcot-Marie-Tooth disease type 4. Also called: Charcot-Marie-Tooth, Type 4; Charcot-Marie-Tooth disease, type IV. Identifiers: Orphanet 64749, MedGen C4082197, MONDO:0018995.

Allele frequency attached by ClinVar (database versions not stated): ExAC 0.00002; gnomAD exomes 0.00002; gnomAD 0.00005 and 0.00007; TOPMed 0.00006.
gnomAD v4.1: 19 of 1,613,868 alleles (0.0012%); highest among the groups gnomAD compares: African/African-American, 0.021%; no homozygotes.

Submissions (3):

Labcorp Genetics (formerly Invitae), Labcorp
Classification: Uncertain significance for Charcot-Marie-Tooth disease type 4. Last evaluated: 2021-08-31. Review status: criteria provided, single submitter. Criteria: Invitae Variant Classification Sherloc (09022015). Collection method: clinical testing. Allele origin: germline.
Comment: This sequence change replaces isoleucine with valine at codon 784 of the SBF2 protein (p.Ile784Val). The isoleucine residue is moderately conserved and there is a small physicochemical difference between isoleucine and valine. This variant is present in population databases (rs758912920, ExAC 0.02%). This variant has not been reported in the literature in individuals affected with SBF2-related conditions. ClinVar contains an entry for this variant (Variation ID: 426519). Algorithms developed to predict the effect of missense changes on protein structure and function (SIFT, PolyPhen-2, Align-GVGD) all suggest that this variant is likely to be tolerated. In summary, the available evidence is currently insufficient to determine the role of this variant in disease. Therefore, it has been classified as a Variant of Uncertain Significance.

Genetic Services Laboratory, University of Chicago
Classification: Uncertain significance. Last evaluated: 2019-01-03. Review status: criteria provided, single submitter. Criteria: ACMG Guidelines, 2015. Collection method: clinical testing. Allele origin: germline. Affected: no.

GeneDx
Classification: Uncertain significance. Last evaluated: 2017-04-13. Review status: criteria provided, single submitter. Criteria: GeneDx Variant Classification (06012015). Collection method: clinical testing. Allele origin: germline. Affected: yes.
Comment: A variant of uncertain significance has been identified in the SBF2 gene. The I784V variant has not been published as a pathogenic variant, nor has it been reported as a benign variant to our knowledge. The I784V variant is not observed at a significant frequency in large population cohorts (Lek et al., 2016; 1000 Genomes Consortium et al., 2015; Exome Variant Server). The I784V variant is a conservative amino acid substitution, which is not likely to impact secondary protein structure as these residues share similar properties. This substitution occurs at a position where amino acids with similar properties to Isoleucine are tolerated across species. In silico analysis is inconsistent in its predictions as to whether or not the variant is damaging to the protein structure/function. Therefore, based on the currently available information, it is unclear whether this variant is a pathogenic variant or a rare benign variant.